The following is an entry in ClinVar:

ClinVar aggregate classification (germline): Pathogenic/Likely pathogenic. Review status: criteria provided, multiple submitters, no conflicts (2 of 4 stars). 4 submissions from 4 submitters: Pathogenic (2); Likely pathogenic (1). 1 of the submissions does not count toward it. Last evaluated 2024-02-13.

Conditions:
Arthrogryposis multiplex congenita 6. Identifiers: MedGen C5543431, MONDO:0030281, OMIM 619334.
Nemaline myopathy 2 (NEM2). Also called: Nemaline myopathy 2, autosomal recessive. Identifiers: MedGen C1850569, MONDO:0009725, OMIM 256030.

Allele frequency attached by ClinVar (database versions not stated): gnomAD exomes below 0.00001 and 0.00001.
gnomAD v4.1: 1 of 1,577,550 alleles (0.000063%); highest among the groups gnomAD compares: Non-Finnish European, 0.000086%; no homozygotes.

Submissions (4):

Labcorp Genetics (formerly Invitae), Labcorp
Classification: Pathogenic for Nemaline myopathy 2. Last evaluated: 2024-02-13. Review status: criteria provided, single submitter. Criteria: Invitae Variant Classification Sherloc (09022015). Collection method: clinical testing. Allele origin: germline.
Comment: This sequence change creates a premature translational stop signal (p.Glu8109*) in the NEB gene. It is expected to result in an absent or disrupted protein product. Loss-of-function variants in NEB are known to be pathogenic (PMID: 25205138). The frequency data for this variant in the population databases is considered unreliable, as metrics indicate poor data quality at this position in the gnomAD database. This variant has not been reported in the literature in individuals affected with NEB-related conditions. ClinVar contains an entry for this variant (Variation ID: 553511). Algorithms developed to predict the effect of sequence changes on RNA splicing suggest that this variant may disrupt the consensus splice site. For these reasons, this variant has been classified as Pathogenic.

Baylor Genetics
Classification: Likely pathogenic for Arthrogryposis multiplex congenita 6. Last evaluated: 2023-12-25. Review status: criteria provided, single submitter. Criteria: ACMG Guidelines, 2015. Collection method: clinical testing. Allele origin: unknown.

Genomic Research Center, Shahid Beheshti University of Medical Sciences
Classification: Pathogenic for Nemaline myopathy 2. Last evaluated: 2020-05-03. Review status: criteria provided, single submitter. Criteria: ACMG Guidelines, 2015. Collection method: clinical testing. Allele origin: unknown. Affected: yes.

Counsyl
Classification: Likely pathogenic for Nemaline myopathy 2. Last evaluated: 2017-08-22. Review status: no assertion criteria provided. Collection method: clinical testing. Allele origin: unknown. Not counted in ClinVar's aggregate classification.

Literature cited by the submitters: PubMed 25205138 (cited by Labcorp Genetics (formerly Invitae), Labcorp).

NM_001164508.2(NEB):c.24220G>T (p.Glu8074Ter)

Genes: RIF1 (replication timing regulatory factor 1; plus strand), NEB (nebulin; minus strand). Cytogenetic location: 2q23.3.
Variant type: single nucleotide variant.
Coding change: c.24220G>T on transcript NM_001164508.2 (MANE Select); coding-DNA position 24220, G replaced by T.
Protein change: p.Glu8074Ter; replaces glutamic acid 8074 with a stop codon.
Molecular consequence: nonsense. On other transcripts: intron variant (1).
Genome position (GRCh38, 1-based): chr2:151,497,706, C>A on the plus strand (G>T on the coding strand, the complement: NEB is on the minus strand). VCF-style: chr2-151497706-C-A. GRCh37 (hg19) VCF-style: chr2-152354220-C-A.
Other names: c.24220G>T, p.Glu8074Ter (NM_001164507.2); c.24325G>T, p.Glu8109Ter (NM_001271208.2); c.18826-1338G>T (NM_004543.5); short protein forms E8109*, E8074*.
Identifiers: ClinVar variation 553511 (VCV000553511.9), dbSNP rs1218073575, ClinGen allele CA348779052.